The following is an entry in ClinVar:

NM_007294.4(BRCA1):c.4675+1G>A

Gene: BRCA1 (BRCA1 DNA repair associated; minus strand). Cytogenetic location: 17q21.31.
Variant type: single nucleotide variant.
Coding change: c.4675+1G>A on transcript NM_007294.4 (MANE Select); the canonical splice donor site of the intron after coding-DNA position 4675, G replaced by A.
Molecular consequence: splice donor variant. On other transcripts: intron variant (3).
Genome position (GRCh38, 1-based): chr17:43,074,330, C>T on the plus strand (G>A on the coding strand, the complement: BRCA1 is on the minus strand). VCF-style: chr17-43074330-C-T. GRCh37 (hg19) VCF-style: chr17-41226347-C-T.
Other names: IVS15+1G>A; c.4465+1G>A (NM_001407879.1, NM_001407882.1, NM_001407885.1 and 5 more transcripts); c.1237+1G>A (NM_001408450.1, NM_001408447.1, NM_001408448.1 and 2 more transcripts); c.1240+1G>A (NM_001408434.1, NM_001408440.1, NM_001408433.1 and 10 more transcripts); c.4549+1G>A (NM_001407672.1, NM_001407678.1, NM_001407673.1 and 11 more transcripts); c.1360+1G>A (NM_001408398.1, NM_001408400.1, NM_001408392.1 and 8 more transcripts); c.1363+1G>A (NM_001407992.1, NM_001407981.1, NM_007298.4 and 12 more transcripts); c.4669+1G>A (NM_001407629.1, NM_001407636.1, NM_001407639.1 and 14 more transcripts); and 72 more.
Identifiers: ClinVar variation 55256 (VCV000055256.101), dbSNP rs80358044, ClinGen allele CA002957.

ClinVar aggregate classification (germline): Pathogenic. Review status: reviewed by expert panel (3 of 4 stars). 32 submissions from 32 submitters: Pathogenic (1). 31 of the submissions do not count toward it. Last evaluated 2015-08-10.

Conditions:
Inherited ovarian cancer (without breast cancer).
Fanconi anemia, complementation group S (FANCS). Identifiers: MedGen C4554406, MONDO:0054748, OMIM 617883.
Pancreatic cancer, susceptibility to, 4. Identifiers: Orphanet 1333, MedGen C3280442, MONDO:0013685, OMIM 614320.
Breast-ovarian cancer, familial, susceptibility to, 1 (BROVCA1). Also called: BRCA1 Hereditary Breast and Ovarian Cancer; OVARIAN CANCER, SUSCEPTIBILITY TO. Identifiers: Orphanet 145, MedGen C2676676, MONDO:0011450, OMIM 604370. Disease mechanism: loss of function.
Familial cancer of breast. Also called: BREAST CANCER, FAMILIAL; hereditary breast carcinoma; Hereditary breast cancer. Identifiers: Orphanet 227535, MedGen C0346153, MONDO:0016419, OMIM 114480. Disease mechanism: loss of function.
Hereditary cancer-predisposing syndrome. Also called: Hereditary Cancer Syndrome; Tumor predisposition; Neoplastic Syndromes, Hereditary; Hereditary neoplastic syndrome. Identifiers: Orphanet 140162, MedGen C0027672, MeSH D009386, MONDO:0015356.
Breast and/or ovarian cancer. Identifiers: MedGen CN221562.
Breast neoplasm. Also called: Breast Neoplasms; Neoplasm of the breast; Neoplasm of breast; Breast tumor. Identifiers: MedGen C1458155, MeSH D001943, MONDO:0021100, HP:0100013. Disease mechanism: gain of function.
Hereditary breast ovarian cancer syndrome. Also called: Breast and ovarian cancer; BRCA1- and BRCA2-Associated Hereditary Breast and Ovarian Cancer; Hereditary breast and ovarian cancer; Hereditary breast and ovarian cancer syndrome (HBOC); Hereditary breast and ovarian cancer syndrome; Hereditary breast and/or ovarian cancer syndrome. Identifiers: Orphanet 145, MedGen C0677776, MeSH D061325, MONDO:0003582. Disease mechanism: loss of function.

Submissions 1 to 9 of 32:

Evidence-based Network for the Interpretation of Germline Mutant Alleles (ENIGMA)
Classification: Pathogenic for Breast-ovarian cancer, familial 1. Last evaluated: 2015-08-10. Review status: reviewed by expert panel. Criteria: ENIGMA BRCA1/2 Classification Criteria (2015). Collection method: curation. Allele origin: germline.
Comment: IARC class based on posterior probability from multifactorial likelihood analysis, thresholds for class as per Plon et al. 2008 (PMID: 18951446). Class 5 based on posterior probability = 1

Institute of Human Genetics, University of Leipzig Medical Center
Classification: Pathogenic for Breast-ovarian cancer, familial, susceptibility to, 1. Last evaluated: 2026-03-23. Review status: criteria provided, single submitter. Criteria: ACMG Guidelines, 2015. Collection method: clinical testing. Allele origin: maternal. Inheritance: Autosomal dominant inheritance. Affected: yes. Not counted in ClinVar's aggregate classification.
Comment: Criteria applied: PVS1,PP4_MOD,PM2_SUP

Dasa
Classification: Pathogenic for Breast-ovarian cancer, familial, susceptibility to, 1. Last evaluated: 2025-12-02. Review status: criteria provided, single submitter. Criteria: DASA Assertion Criteria. Collection method: clinical testing. Allele origin: germline. Not counted in ClinVar's aggregate classification.
Comment: NM_007294.4(BRCA1):c.4675+1G>A affects a canonical splice site and is predicted to disrupt normal RNA splicing, leading to loss of normal protein function. Loss-of-function is an established mechanism of disease for this gene. Functional evidence supports a deleterious effect on the gene or gene product (PMID: 12491499; PMID: 21324516; PMID: 23767878; PMID: 24884479; PMID: 29446198). This variant has been recurrently observed in individuals with Breast-ovarian cancer, familial, susceptibility to, 1 (PMID: 12491499; PMID: 21324516; PMID: 23767878; PMID: 24884479; PMID: 29446198). Based on the available data, this variant is classified as pathogenic.

Labcorp Genetics (formerly Invitae), Labcorp
Classification: Pathogenic for Hereditary breast ovarian cancer syndrome. Last evaluated: 2025-09-02. Review status: criteria provided, single submitter. Criteria: Invitae Variant Classification Sherloc (09022015). Collection method: clinical testing. Allele origin: germline. Not counted in ClinVar's aggregate classification.
Comment: This sequence change affects a donor splice site in intron 14 of the BRCA1 gene. RNA analysis indicates that disruption of this splice site induces altered splicing and may result in an absent or altered protein product. This variant is not present in population databases (gnomAD no frequency). Disruption of this splice site has been observed in individual(s) with breast and/or ovarian cancer (PMID: 12491499, 21324516, 23767878, 24884479). This variant is also known as IVS15+1G>A and 4794+1G>A. ClinVar contains an entry for this variant (Variation ID: 55256). Based on a multifactorial likelihood algorithm using genetic, in silico, and/or statistical data, this variant has been determined to have a high probability of being pathogenic (PMID: 21990134). Studies have shown that disruption of this splice site alters mRNA splicing and is expected to lead to the loss of protein expression (PMID: 18489799, 21394826; internal data). For these reasons, this variant has been classified as Pathogenic.

Quest Diagnostics Nichols Institute San Juan Capistrano
Classification: Pathogenic. Last evaluated: 2025-06-24. Review status: criteria provided, single submitter. Criteria: Quest Diagnostics criteria. Collection method: clinical testing. Allele origin: unknown. Not counted in ClinVar's aggregate classification.
Comment: The BRCA1 c.4675+1G>A variant disrupts a canonical splice-donor site and interferes with normal BRCA1 mRNA splicing. This variant has been reported in the published literature in individuals with hereditary breast and/or ovarian cancer (PMID: 12491499 (2003), 18489799 (2008), 28324225 (2017), 33471991 (2021), see also LOVD). It has also been described as pathogenic by multifactorial probability analysis and shown to cause exon skipping/deletion from functional analyses (PMID: 21394826 (2011), 21990134 (2012), 24667779 (2014)). This variant has not been reported in large, multi-ethnic general populations (Genome Aggregation Database). Based on the available information, this variant is classified as pathogenic.

NHS Central & South Genomic Laboratory Hub
Classification: Pathogenic for Inherited ovarian cancer (without breast cancer). Last evaluated: 2025-04-09. Review status: criteria provided, single submitter. Criteria: ACMG Guidelines, 2015. Collection method: clinical testing. Allele origin: germline. Affected: yes. Not counted in ClinVar's aggregate classification.

Center for Genomic Medicine, Rigshospitalet, Copenhagen University Hospital
Classification: Pathogenic. Last evaluated: 2025-03-04. Review status: criteria provided, single submitter. Criteria: ACMG Guidelines, 2015. Collection method: clinical testing. Allele origin: germline. Not counted in ClinVar's aggregate classification.

Mayo Clinic Laboratories, Mayo Clinic
Classification: Pathogenic. Last evaluated: 2025-02-14. Review status: criteria provided, single submitter. Criteria: ACMG Guidelines, 2015. Collection method: clinical testing. Allele origin: germline. Observed: 1 variant allele. Not counted in ClinVar's aggregate classification.
Comment: PP4_strong, PM2_supporting, PM5_strong, PVS1

GeneDx
Classification: Pathogenic. Last evaluated: 2024-12-02. Review status: criteria provided, single submitter. Criteria: GeneDx Variant Classification Process June 2021. Collection method: clinical testing. Allele origin: germline. Affected: yes. Not counted in ClinVar's aggregate classification.
Comment: Canonical splice site variant demonstrated to result in a null allele in a gene for which loss of function is a known mechanism of disease (PMID: 18489799, 21394826, 24667779); Multifactorial studies suggest this variant is associated with breast and ovarian cancer (PMID: 21990134); Not observed at significant frequency in large population cohorts (gnomAD); Truncating variants in this gene are considered pathogenic by a well-established clinical consortium and/or database; Also known as 4794+1G>A and IVS15+1G>A; This variant is associated with the following publications: (PMID: 11389159, 26295337, 29452958, 29907814, 34413315, 32211327, 35534704, 34981296, 36881271, 34601666, 34887416, 21895635, 21394826, 18712473, 21324516, 21965345, 25525159, 12491499, 17924331, 23239986, 26913838, 28324225, 27914478, 26976419, 25085752, 24884479, 20104584, 29161300, 30078507, 29446198, 30322717, 29470806, 26848151, 31263571, 30787465, 35264596, 33471991, 39438962, 18489799, 24667779, 39080120, 33801055, 21990134)